The following is an entry in ClinVar:

ClinVar aggregate classification (germline): Uncertain significance (1 of 4 stars; one submission).

Submission:

Labcorp Genetics (formerly Invitae), Labcorp
Classification: Uncertain significance. Last evaluated: 2021-07-28. Review status: criteria provided, single submitter. Criteria: Invitae Variant Classification Sherloc (09022015). Collection method: clinical testing. Allele origin: germline.
Comment: In summary, the available evidence is currently insufficient to determine the role of this variant in disease. Therefore, it has been classified as a Variant of Uncertain Significance. Algorithms developed to predict the effect of missense changes on protein structure and function (SIFT, PolyPhen-2, Align-GVGD) all suggest that this variant is likely to be tolerated, but these predictions have not been confirmed by published functional studies and their clinical significance is uncertain. This variant has not been reported in the literature in individuals with EYS-related conditions. This variant is not present in population databases (ExAC no frequency). This sequence change replaces alanine with glycine at codon 3058 of the EYS protein (p.Ala3058Gly). The alanine residue is moderately conserved and there is a small physicochemical difference between alanine and glycine.

NM_001142800.2(EYS):c.9173C>G (p.Ala3058Gly)

Genes: EYS (EGF-like photoreceptor maintenance factor; minus strand), PHF3 (PHD finger protein 3; plus strand). Cytogenetic location: 6q12.
Variant type: single nucleotide variant.
Coding change: c.9173C>G on transcript NM_001142800.2 (MANE Select); coding-DNA position 9173, C replaced by G.
Protein change: p.Ala3058Gly; replaces alanine 3058 with glycine.
Molecular consequence: missense variant. On other transcripts: 3 prime UTR variant (5).
Genome position (GRCh38, 1-based): chr6:63,720,858, G>C on the plus strand (C>G on the coding strand, the complement: EYS is on the minus strand). VCF-style: chr6-63720858-G-C. GRCh37 (hg19) VCF-style: chr6-64430754-G-C.
Other names: c.*7150G>C (NM_001290259.2, NM_001370348.2, NM_001370349.2 and 2 more transcripts); c.9236C>G, p.Ala3079Gly (NM_001292009.2); short protein forms A3079G, A3058G.
Identifiers: ClinVar variation 1487695 (VCV001487695.8), dbSNP rs2149623917, ClinGen allele CA364383087.